The following is an entry in ClinVar:

NM_000089.4(COL1A2):c.596G>A (p.Gly199Asp)

Gene: COL1A2 (collagen type I alpha 2 chain; plus strand). Cytogenetic location: 7q21.3.
Variant type: single nucleotide variant.
Coding change: c.596G>A on transcript NM_000089.4 (MANE Select); coding-DNA position 596, G replaced by A.
Protein change: p.Gly199Asp; replaces glycine 199 with aspartic acid.
Molecular consequence: missense variant.
Genome position (GRCh38, 1-based): chr7:94,407,848, G>A. VCF-style: chr7-94407848-G-A. GRCh37 (hg19) VCF-style: chr7-94037160-G-A.
Other names: short protein forms G199D.
Identifiers: ClinVar variation 496615 (VCV000496615.37), dbSNP rs1554395833, ClinGen allele CA368220124.

ClinVar aggregate classification (germline): Pathogenic/Likely pathogenic. Review status: criteria provided, multiple submitters, no conflicts (2 of 4 stars). 7 submissions from 7 submitters: Pathogenic (3); Likely pathogenic (3). 1 of the submissions does not count toward it. Last evaluated 2026-04-07.

Conditions:
Ehlers-Danlos syndrome, classic type, 1 (EDSCL1). Also called: EHLERS-DANLOS SYNDROME, GRAVIS TYPE; EHLERS-DANLOS SYNDROME, SEVERE CLASSIC TYPE; Ehlers-Danlos syndrome, type 1; Ehlers-Danlos Syndrome, Classic Type, COL5A1-Related; EDS I. Identifiers: MedGen C0268335, MONDO:0019567, OMIM 130000.
Osteogenesis imperfecta type I (OI1). Also called: Lobstein disease; Lobstein's Disease; Classic Non-deforming Osteogenesis Imperfecta with Blue Sclerae; OI, TYPE I; OSTEOGENESIS IMPERFECTA TARDA; OSTEOGENESIS IMPERFECTA WITH BLUE SCLERAE. Identifiers: Orphanet 216796, Orphanet 666, MedGen C0023931, MONDO:0008146, OMIM 166200. Disease mechanism: loss of function.
Ehlers-Danlos syndrome, arthrochalasia type, 2. Also called: EHLERS-DANLOS SYNDROME, TYPE VIIB, AUTOSOMAL DOMINANT. Identifiers: MedGen CN293783, MONDO:0040501, OMIM 617821.
Osteogenesis imperfecta with normal sclerae, dominant form (OI4). Also called: Osteogenesis Imperfecta Type IV; OSTEOGENESIS IMPERFECTA, TYPE IV, WITH DENTINOGENESIS IMPERFECTA; Common Variable Osteogenesis Imperfecta with Normal Sclerae; OSTEOGENESIS IMPERFECTA WITH NORMAL SCLERAE; Osteogenesis imperfecta type 4. Identifiers: Orphanet 216820, Orphanet 666, MedGen C0268363, MONDO:0008148, OMIM 166220.
Osteoporosis. Identifiers: MedGen C0029456, MONDO:0005298, OMIM 166710, HP:0000939.
Combined osteogenesis imperfecta and Ehlers-Danlos syndrome 2. Also called: OIEDS SYNDROME 2. Identifiers: MedGen C5436847, MONDO:0030855, OMIM 619120.
Osteogenesis imperfecta, perinatal lethal (OI2). Also called: Osteogenesis imperfecta type 2; Osteogenesis imperfecta, dominant perinatal lethal; OSTEOGENESIS IMPERFECTA, TYPE II; OI, TYPE II; OSTEOGENESIS IMPERFECTA CONGENITA; VROLIK TYPE OF OSTEOGENESIS IMPERFECTA. Identifiers: Orphanet 216804, MedGen C0268358, MONDO:0008147, OMIM 166210.
Osteogenesis imperfecta type III (OI3). Also called: Osteogenesis imperfecta type 3; OI type 3; Osteogenesis imperfecta, progressively deforming with normal sclerae; OI type III; Progressively Deforming Osteogenesis Imperfecta. Identifiers: Orphanet 216812, Orphanet 666, MedGen C0268362, MONDO:0009804, OMIM 259420.
Ehlers-Danlos syndrome, cardiac valvular type. Identifiers: Orphanet 230851, MedGen C4303789, MONDO:0009159, OMIM 225320.
Abnormality of the skeletal system. Identifiers: MedGen C4021790, HP:0000924.
COL1A2-related disorder. Also called: COL1A2-related condition; COL1A2-Related Disorders.
Inborn genetic diseases. Identifiers: MedGen C0950123, MeSH D030342.

Submissions (7):

Clinical Genetics and Genomics, Karolinska University Hospital
Classification: Pathogenic for Osteogenesis imperfecta with normal sclerae, dominant form. Last evaluated: 2026-04-07. Review status: criteria provided, single submitter. Criteria: ACMG Guidelines, 2015. Collection method: clinical testing. Allele origin: unknown. Affected: yes.
Comment: This sequence change replaces glycine with aspartic acid at codon 199 of the COL1A2 protein (p.Gly199Asp). This variant is not present in population databases (gnomAD). This missense change has been observed in individual(s) with autosomal dominant osteogenesis imperfecta. In at least one individual the variant was observed to be de novo. This variant disrupts the triple helix domain of COL1A2. Glycine residues within the Gly-Xaa-Yaa repeats of the triple helix domain are required for the structure and stability of fibrillar collagens (PMID: 7695699, 8218237, 19344236).

Labcorp Genetics (formerly Invitae), Labcorp
Classification: Pathogenic for Osteogenesis imperfecta type I; Ehlers-Danlos syndrome, classic type, 1. Last evaluated: 2024-04-14. Review status: criteria provided, single submitter. Criteria: Invitae Variant Classification Sherloc (09022015). Collection method: clinical testing. Allele origin: germline.
Comment: This sequence change replaces glycine, which is neutral and non-polar, with aspartic acid, which is acidic and polar, at codon 199 of the COL1A2 protein (p.Gly199Asp). This variant is not present in population databases (gnomAD no frequency). This missense change has been observed in individual(s) with autosomal dominant osteogenesis imperfecta (PMID: 25086671). ClinVar contains an entry for this variant (Variation ID: 496615). Experimental studies and prediction algorithms are not available or were not evaluated, and the functional significance of this variant is currently unknown. This variant disrupts the triple helix domain of COL1A2. Glycine residues within the Gly-Xaa-Yaa repeats of the triple helix domain are required for the structure and stability of fibrillar collagens (PMID: 7695699, 8218237, 19344236). In COL1A2, variants affecting these glycine residues are significantly enriched in individuals with disease (PMID: 9016532, 17078022) compared to the general population (ExAC). For these reasons, this variant has been classified as Pathogenic.

Kariminejad - Najmabadi Pathology & Genetics Center
Classification: Likely pathogenic for Abnormality of the skeletal system. Last evaluated: 2021-07-10. Review status: criteria provided, single submitter. Criteria: ACMG Guidelines, 2015. Collection method: clinical testing. Allele origin: germline. Affected: yes.

Blueprint Genetics
Classification: Pathogenic for COL1A2-related disorders. Last evaluated: 2021-04-13. Review status: criteria provided, single submitter. Criteria: ACMG Guidelines, 2015. Collection method: clinical testing. Allele origin: germline. Affected: yes. Observed: 2 variant alleles.

Ambry Genetics
Classification: Likely pathogenic for Inborn genetic diseases. Last evaluated: 2016-04-04. Review status: criteria provided, single submitter. Criteria: Ambry exome assertion method (8-5-2015). Collection method: clinical testing. Allele origin: germline. Affected: yes. Observed: 1 variant allele.

Juno Genomics, Hangzhou Juno Genomics, Inc
Classification: Likely pathogenic for Osteoporosis; Combined osteogenesis imperfecta and Ehlers-Danlos syndrome 2; Ehlers-Danlos syndrome, arthrochalasia type, 2; Ehlers-Danlos syndrome, cardiac valvular type; Osteogenesis imperfecta, perinatal lethal; Osteogenesis imperfecta type III; Osteogenesis imperfecta with normal sclerae, dominant form. Review status: criteria provided, single submitter. Criteria: ACMG Guidelines, 2015. Collection method: clinical testing. Allele origin: germline. Affected: yes.
Comment: Absent from controls (or at extremely low frequency if recessive) in Genome Aggregation Database, Exome Sequencing Project, 1000 Genomes Project, or Exome Aggregation Consortium.;Multiple lines of computational evidence support a deleterious effect on the gene or gene product (conservation, evolutionary, splicing impact, etc).;The prevalence of the variant in affected individuals is significantly increased compared to the prevalence in controls.

Genomics England Pilot Project, Genomics England
Classification: Pathogenic for Osteogenesis imperfecta, perinatal lethal. Review status: no assertion criteria provided. Criteria: ACGS Guidelines, 2016. Collection method: clinical testing. Allele origin: germline. Affected: yes. Not counted in ClinVar's aggregate classification.

Literature cited by the submitters: PubMed 25086671 (cited by Labcorp Genetics (formerly Invitae), Labcorp); PubMed 7695699 (cited by Labcorp Genetics (formerly Invitae), Labcorp); PubMed 8218237 (cited by Labcorp Genetics (formerly Invitae), Labcorp); PubMed 19344236 (cited by Labcorp Genetics (formerly Invitae), Labcorp); PubMed 9016532 (cited by Labcorp Genetics (formerly Invitae), Labcorp); PubMed 17078022 (cited by Labcorp Genetics (formerly Invitae), Labcorp).